The following is an entry in ClinVar:

ClinVar aggregate classification (germline): Uncertain significance (1 of 4 stars; one submission).

Allele frequency attached by ClinVar (database versions not stated): gnomAD 0.00001; gnomAD exomes 0.00001.
gnomAD v4.1: 11 of 1,567,966 alleles (0.0007%); highest among the groups gnomAD compares: Non-Finnish European, 0.00043%; no homozygotes.

Submission:

Labcorp Genetics (formerly Invitae), Labcorp
Classification: Uncertain significance. Last evaluated: 2022-02-18. Review status: criteria provided, single submitter. Criteria: Invitae Variant Classification Sherloc (09022015). Collection method: clinical testing. Allele origin: germline.
Comment: In summary, the available evidence is currently insufficient to determine the role of this variant in disease. Therefore, it has been classified as a Variant of Uncertain Significance. This sequence change replaces serine, which is neutral and polar, with proline, which is neutral and non-polar, at codon 272 of the AP3B2 protein (p.Ser272Pro). This variant is present in population databases (no rsID available, gnomAD 0.01%). This variant has not been reported in the literature in individuals affected with AP3B2-related conditions. Algorithms developed to predict the effect of missense changes on protein structure and function are either unavailable or do not agree on the potential impact of this missense change (SIFT: "Deleterious"; PolyPhen-2: "Probably Damaging"; Align-GVGD: "Class C0").

NM_001278512.2(AP3B2):c.814T>C (p.Ser272Pro)

Genes: AP3B2 (adaptor related protein complex 3 subunit beta 2; minus strand), CPEB1-AS1 (CPEB1 antisense RNA 1; plus strand). Cytogenetic location: 15q25.2.
Variant type: single nucleotide variant.
Coding change: c.814T>C on transcript NM_001278512.2 (MANE Select); coding-DNA position 814, T replaced by C.
Protein change: p.Ser272Pro; replaces serine 272 with proline.
Molecular consequence: missense variant.
Genome position (GRCh38, 1-based): chr15:82,680,713, A>G on the plus strand (T>C on the coding strand, the complement: AP3B2 is on the minus strand). VCF-style: chr15-82680713-A-G. GRCh37 (hg19) VCF-style: chr15-83349465-A-G.
Other names: c.718T>C, p.Ser240Pro (NM_001278511.2); c.814T>C, p.Ser272Pro (NM_004644.5); short protein forms S240P, S272P.
Identifiers: ClinVar variation 1966210 (VCV001966210.5), dbSNP rs1194632435, ClinGen allele CA393295423.
Genomic context (GRCh38, chr15:82,680,713, plus strand): 5'-AGGGGGCGGCCGCGGCGGCCGTCTCCTCAGACCCCGCGCCCTTGGCCTCGTCCTCCTCTG[A>G]GCCGTAGAAGGCTTTTTCCGCGTTCTCCTCTAGTAGGGATTCCTGGACGGGGAGACCGAC-3'
Protein context (NP_001265441.1, residues 262-282): EENAEKAFYG[Ser272Pro]EEDEAKGAGS